The following is an entry in ClinVar:

NM_001101648.2(NPC1L1):c.1935G>A (p.Leu645=)

Gene: NPC1L1 (NPC1 like intracellular cholesterol transporter 1; minus strand). Cytogenetic location: 7p13.
Variant type: single nucleotide variant.
Coding change: c.1935G>A on transcript NM_001101648.2 (MANE Select); coding-DNA position 1935, G replaced by A.
Protein change: p.Leu645=; no amino-acid change (leucine 645 retained).
Molecular consequence: synonymous variant.
Genome position (GRCh38, 1-based): chr7:44,535,888, C>T on the plus strand (G>A on the coding strand, the complement: NPC1L1 is on the minus strand). VCF-style: chr7-44535888-C-T. GRCh37 (hg19) VCF-style: chr7-44575487-C-T.
Other names: c.1935G>A, p.Leu645= (NM_001300967.2, NM_013389.3).
Identifiers: ClinVar variation 3050413 (VCV003050413.2), dbSNP rs115464778, ClinGen allele CA4242032.

ClinVar aggregate classification (germline): Likely benign (0 of 4 stars; one submission).

Conditions:
NPC1L1-related disorder. Also called: NPC1L1-related condition.

Allele frequency attached by ClinVar (database versions not stated): gnomAD exomes 0.00016; ExAC 0.00054; 1000 Genomes Project 0.00140; 1000 Genomes Project 30x 0.00156; TOPMed 0.00167; gnomAD 0.00173; ESP Exome Variant Server 0.00200.
gnomAD v4.1: 484 of 1,613,542 alleles (0.03%); highest among the groups gnomAD compares: African/African-American, 0.6%; 2 homozygotes.

Submission:

PreventionGenetics, part of Exact Sciences
Classification: Likely benign for NPC1L1-related condition. Last evaluated: 2019-07-15. Review status: no assertion criteria provided. Collection method: clinical testing. Allele origin: germline.
Comment: This variant is classified as likely benign based on ACMG/AMP sequence variant interpretation guidelines (Richards et al. 2015 PMID: 25741868, with internal and published modifications).